The following is an entry in ClinVar:

ClinVar aggregate classification (germline): Likely pathogenic (1 of 4 stars; one submission).

Submission:

GeneDx
Classification: Likely pathogenic. Last evaluated: 2021-03-08. Review status: criteria provided, single submitter. Criteria: GeneDx Variant Classification Process June 2021. Collection method: clinical testing. Allele origin: germline. Affected: yes.
Comment: Frameshift variant predicted to result in protein truncation, as the last 186 amino acids are replaced with 156 different amino acids, and other loss-of-function variants have been reported downstream in the Human Gene Mutation Database (Stenson et al., 2014); Not observed in large population cohorts (Lek et al., 2016); Has not been previously published as pathogenic or benign to our knowledge

NM_001453.3(FOXC1):c.1102_1109del (p.Thr368fs)

Gene: FOXC1 (forkhead box C1; plus strand). Cytogenetic location: 6p25.3.
Variant type: Deletion.
Coding change: c.1102_1109del on transcript NM_001453.3 (MANE Select); coding-DNA positions 1102 to 1109, 8 bases deleted (ACCTCCAG; older notation c.1102_1109delACCTCCAG).
Protein change: p.Thr368fs; shifts the reading frame from threonine 368.
Molecular consequence: frameshift variant.
Genome position (GRCh38, 1-based): chr6:1,611,547-1,611,554, ACCTCCAG deleted; deleting any 8 consecutive bases within chr6:1,611,543-1,611,554 gives the same sequence; the c. name uses the placement nearest the transcript's 3' end. VCF-style (leftmost placement, unchanged base first): chr6-1611542-GCCAGACCT-G. GRCh37 (hg19) VCF-style: chr6-1611777-GCCAGACCT-G.
Other names: short protein forms T368fs.
Identifiers: ClinVar variation 1220097 (VCV001220097.3), dbSNP rs2113113584, ClinGen allele CA2499218187.
Genomic context (GRCh38, chr6:1,611,542, plus strand): 5'-CCCCGCTGGCGCTCGGCGCCTACTCGCCCGGCCAGAGCTCCCTCTACAGCTCCCCCTGCA[GCCAGACCT>G]CCAGCGCGGGCAGCTCGGGCGGCGGCGGCGGCGGCGCGGGGGCCGCGGGGGGCGCGGGCG-3'